The following is an entry in ClinVar:

ClinVar aggregate classification (germline): Uncertain significance (1 of 4 stars; one submission).

gnomAD v4.1: 40 of 1,613,982 alleles (0.0025%); highest among the groups gnomAD compares: African/African-American, 0.0053%; no homozygotes.

Submission:

Labcorp Genetics (formerly Invitae), Labcorp
Classification: Uncertain significance. Last evaluated: 2024-07-16. Review status: criteria provided, single submitter. Criteria: Invitae Variant Classification Sherloc (09022015). Collection method: clinical testing. Allele origin: germline.
Comment: This sequence change replaces alanine, which is neutral and non-polar, with threonine, which is neutral and polar, at codon 1680 of the FOCAD protein (p.Ala1680Thr). This variant is present in population databases (rs149857518, gnomAD 0.01%). This variant has not been reported in the literature in individuals affected with FOCAD-related conditions. Experimental studies and prediction algorithms are not available or were not evaluated, and the functional significance of this variant is currently unknown. In summary, the available evidence is currently insufficient to determine the role of this variant in disease. Therefore, it has been classified as a Variant of Uncertain Significance.

NM_001375567.1(FOCAD):c.5038G>A (p.Ala1680Thr)

Gene: FOCAD (focadhesin; plus strand). Cytogenetic location: 9p21.3.
Variant type: single nucleotide variant.
Coding change: c.5038G>A on transcript NM_001375567.1 (MANE Select); coding-DNA position 5038, G replaced by A.
Protein change: p.Ala1680Thr; replaces alanine 1680 with threonine.
Molecular consequence: missense variant.
Genome position (GRCh38, 1-based): chr9:20,990,156, G>A. VCF-style: chr9-20990156-G-A. GRCh37 (hg19) VCF-style: chr9-20990155-G-A.
Other names: c.4933G>A, p.Ala1645Thr (NM_001375568.1, NM_001375570.1); c.5038G>A, p.Ala1680Thr (NM_017794.5); short protein forms A1645T, A1680T.
Identifiers: ClinVar variation 3714593 (VCV003714593.2).